The following is an entry in ClinVar:

NM_058216.3(RAD51C):c.337G>T (p.Gly113Cys)

Gene: RAD51C (RAD51 paralog C; plus strand). Cytogenetic location: 17q22.
Variant type: single nucleotide variant.
Coding change: c.337G>T on transcript NM_058216.3 (MANE Select); coding-DNA position 337, G replaced by T.
Protein change: p.Gly113Cys; replaces glycine 113 with cysteine.
Molecular consequence: missense variant. On other transcripts: non-coding transcript variant (2).
Genome position (GRCh38, 1-based): chr17:58,695,122, G>T. VCF-style: chr17-58695122-G-T. GRCh37 (hg19) VCF-style: chr17-56772483-G-T.
Other names: c.337G>T, p.Gly113Cys (NM_002876.4); short protein forms G113C.
Identifiers: ClinVar variation 1510928 (VCV001510928.8), dbSNP rs2047954842, ClinGen allele CA400341402.
Genomic context (GRCh38, chr17:58,695,122, plus strand): 5'-CAGGAGCATACCCAGGGCTTCATAATCACCTTCTGTTCAGCACTAGATGATATTCTTGGG[G>T]GTGGAGTGCCCTTAATGAAAACAACAGAAATTTGTGGTGCACCAGGTGTTGGAAAAACAC-3'
Protein context (NP_478123.1, residues 103-123): FCSALDDILG[Gly113Cys]GVPLMKTTEI

ClinVar aggregate classification (germline): Uncertain significance (1 of 4 stars; one submission).

Conditions:
Fanconi anemia complementation group O. Also called: RAD51C-Related Fanconi Anemia. Identifiers: Orphanet 84, MedGen C3150653, MONDO:0013248, OMIM 613390.

Allele frequency attached by ClinVar (database versions not stated): gnomAD exomes below 0.00001.
gnomAD v4.1: 1 of 1,614,058 alleles (0.000062%); highest among the groups gnomAD compares: Non-Finnish European, 0.000085%; no homozygotes.

Submission:

Labcorp Genetics (formerly Invitae), Labcorp
Classification: Uncertain significance for Fanconi anemia complementation group O. Last evaluated: 2023-12-11. Review status: criteria provided, single submitter. Criteria: Invitae Variant Classification Sherloc (09022015). Collection method: clinical testing. Allele origin: germline.
Comment: This sequence change replaces glycine, which is neutral and non-polar, with cysteine, which is neutral and slightly polar, at codon 113 of the RAD51C protein (p.Gly113Cys). This variant is not present in population databases (gnomAD no frequency). This variant has not been reported in the literature in individuals affected with RAD51C-related conditions. ClinVar contains an entry for this variant (Variation ID: 1510928). Advanced modeling of protein sequence and biophysical properties (such as structural, functional, and spatial information, amino acid conservation, physicochemical variation, residue mobility, and thermodynamic stability) performed at Invitae indicates that this missense variant is expected to disrupt RAD51C protein function with a positive predictive value of 80%. In summary, the available evidence is currently insufficient to determine the role of this variant in disease. Therefore, it has been classified as a Variant of Uncertain Significance.